The following is an entry in ClinVar:

ClinVar aggregate classification (germline): Likely benign (1 of 4 stars; one submission).

gnomAD v4.1: 6 of 1,614,210 alleles (0.00037%); highest among the groups gnomAD compares: Admixed American, 0.0083%; no homozygotes.

Submission:

CeGaT Center for Human Genetics Tuebingen
Classification: Likely benign. Last evaluated: 2026-06-01. Review status: criteria provided, single submitter. Criteria: CeGaT Center For Human Genetics Tuebingen Variant Classification Criteria Version 2. Collection method: clinical testing. Allele origin: germline. Affected: yes. Observed: 1 variant allele.
Comment: TFAP2A: BP4

NM_001372066.1(TFAP2A):c.630C>T (p.Asn210=)

Genes: TFAP2A-AS2 (TFAP2A antisense RNA 2; plus strand), TFAP2A (transcription factor AP-2 alpha; minus strand), LOC121740638 (BRD4-independent group 4 enhancer GRCh37_chr6:10403277-10404476; plus strand). Cytogenetic location: 6p24.3.
Variant type: single nucleotide variant.
Coding change: c.630C>T on transcript NM_001372066.1 (MANE Select); coding-DNA position 630, C replaced by T.
Protein change: p.Asn210=; no amino-acid change (asparagine 210 retained).
Molecular consequence: synonymous variant. On other transcripts: non-coding transcript variant (1).
Genome position (GRCh38, 1-based): chr6:10,404,648, G>A on the plus strand (C>T on the coding strand, the complement: TFAP2A is on the minus strand). VCF-style: chr6-10404648-G-A. GRCh37 (hg19) VCF-style: chr6-10404881-G-A.
Other names: c.606C>T, p.Asn202= (NM_001032280.3); c.612C>T, p.Asn204= (NM_001042425.3).
Identifiers: ClinVar variation 4873656 (VCV004873656.2).